The following is an entry in ClinVar:

NM_000038.6(APC):c.6204G>C (p.Met2068Ile)

Gene: APC (APC regulator of Wnt signaling pathway; plus strand). Cytogenetic location: 5q22.2.
Variant type: single nucleotide variant.
Coding change: c.6204G>C on transcript NM_000038.6 (MANE Select); coding-DNA position 6204, G replaced by C.
Protein change: p.Met2068Ile; replaces methionine 2068 with isoleucine.
Molecular consequence: missense variant.
Genome position (GRCh38, 1-based): chr5:112,841,798, G>C. VCF-style: chr5-112841798-G-C. GRCh37 (hg19) VCF-style: chr5-112177495-G-C.
Other names: c.6204G>C, p.Met2068Ile (NM_001127510.3, NM_001354895.2); c.6150G>C, p.Met2050Ile (NM_001127511.3); c.6258G>C, p.Met2086Ile (NM_001354896.2); c.6234G>C, p.Met2078Ile (NM_001354897.2); c.6129G>C, p.Met2043Ile (NM_001354898.2); c.6120G>C, p.Met2040Ile (NM_001354899.2); c.6081G>C, p.Met2027Ile (NM_001354900.2); c.6027G>C, p.Met2009Ile (NM_001354901.2); and 5 more; short protein forms M1785I, M2043I, M2050I, M2068I, M1908I, M1967I, M2086I, M2040I.
Identifiers: ClinVar variation 952968 (VCV000952968.11), dbSNP rs1554087277, ClinGen allele CA16034922.

ClinVar aggregate classification (germline): Uncertain significance (1 of 4 stars; one submission).

Conditions:
Familial adenomatous polyposis 1 (FAP1). Also called: POLYPOSIS, ADENOMATOUS INTESTINAL; FAMILIAL ADENOMATOUS POLYPOSIS 1, ATTENUATED. Identifiers: MedGen C2713442, MONDO:0021056, OMIM 175100. Disease mechanism: loss of function.

Submission:

Labcorp Genetics (formerly Invitae), Labcorp
Classification: Uncertain significance for Familial adenomatous polyposis 1. Last evaluated: 2019-06-06. Review status: criteria provided, single submitter. Criteria: Invitae Variant Classification Sherloc (09022015). Collection method: clinical testing. Allele origin: germline.
Comment: In summary, the available evidence is currently insufficient to determine the role of this variant in disease. Therefore, it has been classified as a Variant of Uncertain Significance. Algorithms developed to predict the effect of missense changes on protein structure and function (SIFT, PolyPhen-2, Align-GVGD) all suggest that this variant is likely to be tolerated, but these predictions have not been confirmed by published functional studies and their clinical significance is uncertain. This variant has not been reported in the literature in individuals with APC-related conditions. This variant is not present in population databases (ExAC no frequency). This sequence change replaces methionine with isoleucine at codon 2068 of the APC protein (p.Met2068Ile). The methionine residue is moderately conserved and there is a small physicochemical difference between methionine and isoleucine.